The following is an entry in ClinVar:

ClinVar aggregate classification (germline): Conflicting classifications of pathogenicity. Review status: criteria provided, conflicting classifications (1 of 4 stars). 11 submissions from 11 submitters: Uncertain significance (9); Likely benign (2). Last evaluated 2026-01-19.

Conditions:
Intrauterine growth retardation, metaphyseal dysplasia, adrenal hypoplasia congenita, genital anomalies, and immunodeficiency. Also called: IMAGEI SYNDROME. Identifiers: MedGen C5193036, MONDO:0032684, OMIM 618336.
Facial dysmorphism-immunodeficiency-livedo-short stature syndrome. Also called: Facial dysmorphism, immunodeficiency, livedo, and short stature; FILS syndrome. Identifiers: Orphanet 352712, MedGen C3554576, MONDO:0014058, OMIM 615139.
Colorectal cancer, susceptibility to, 12 (CRCS12). Also called: COLORECTAL CANCER, SUSCEPTIBILITY TO, ON CHROMOSOME 12q24. Identifiers: Orphanet 220460, MedGen C3554460, MONDO:0014038, OMIM 615083.
POLE-related disorder. Also called: POLE-related disorders; POLE-related condition.
Hereditary cancer-predisposing syndrome. Also called: Neoplastic Syndromes, Hereditary; Hereditary neoplastic syndrome; Hereditary Cancer Syndrome; Tumor predisposition. Identifiers: Orphanet 140162, MedGen C0027672, MeSH D009386, MONDO:0015356.

Allele frequency attached by ClinVar (database versions not stated): gnomAD exomes 0.00002 and 0.00003; gnomAD 0.00003 and 0.00004; TOPMed 0.00003; ExAC 0.00004; ESP Exome Variant Server 0.00008.
gnomAD v4.1: 49 of 1,614,030 alleles (0.003%); highest among the groups gnomAD compares: Non-Finnish European, 0.0036%; no homozygotes.

Submissions (11):

Labcorp Genetics (formerly Invitae), Labcorp
Classification: Uncertain significance. Last evaluated: 2026-01-19. Review status: criteria provided, single submitter. Criteria: Invitae Variant Classification Sherloc (09022015). Collection method: clinical testing. Allele origin: germline.
Comment: This sequence change replaces valine, which is neutral and non-polar, with isoleucine, which is neutral and non-polar, at codon 867 of the POLE protein (p.Val867Ile). This variant is present in population databases (rs374200895, gnomAD 0.004%). This missense change has been observed in individual(s) with breast cancer (PMID: 35534704). ClinVar contains an entry for this variant (Variation ID: 240436). Invitae Evidence Modeling of protein sequence and biophysical properties (such as structural, functional, and spatial information, amino acid conservation, physicochemical variation, residue mobility, and thermodynamic stability) indicates that this missense variant is not expected to disrupt POLE protein function with a negative predictive value of 80%. In summary, the available evidence is currently insufficient to determine the role of this variant in disease. Therefore, it has been classified as a Variant of Uncertain Significance.

Dasa
Classification: Uncertain significance. Last evaluated: 2025-12-24. Review status: criteria provided, single submitter. Criteria: DASA Assertion Criteria. Collection method: clinical testing. Allele origin: germline.
Comment: NM_006231.4(POLE):c.2599G>A (p.Val867Ile) is a missense variant that results in the substitution of valine with isoleucine. This variant is rare in population databases. The currently available literature and clinical evidence are not sufficient to establish a definitive association between this variant and the reported condition. Therefore, this variant is classified as a variant of uncertain significance.

PreventionGenetics, part of Exact Sciences
Classification: Uncertain significance for POLE-related condition. Last evaluated: 2025-04-30. Review status: criteria provided, single submitter. Criteria: ACMG Guidelines, 2015. Collection method: clinical testing. Allele origin: germline.
Comment: The POLE c.2599G>A variant is predicted to result in the amino acid substitution p.Val867Ile. This variant has been reported as uncertain in an individual with breast cancer (Patient 717 in Table S3, de Oliveira et al. 2022. PubMed ID: 35534704). This variant is reported in 0.0040% of alleles in individuals of European (Finnish) descent in gnomAD and has conflicting interpretations regarding its pathogenicity in ClinVar, ranging from likely benign to uncertain. At this time, the clinical significance of this variant is uncertain due to the absence of conclusive functional and genetic evidence.

Center for Genomic Medicine, Rigshospitalet, Copenhagen University Hospital
Classification: Uncertain significance. Last evaluated: 2025-03-04. Review status: criteria provided, single submitter. Criteria: ACMG Guidelines, 2015. Collection method: clinical testing. Allele origin: germline.

Quest Diagnostics Nichols Institute San Juan Capistrano
Classification: Uncertain significance. Last evaluated: 2025-02-12. Review status: criteria provided, single submitter. Criteria: Quest Diagnostics criteria. Collection method: clinical testing. Allele origin: unknown.
Comment: The POLE c.2599G>A (p.Val867Ile) variant has been reported in the published literature in an individual with breast cancer (PMID: 35534704 (2022)). This variant has been described as a somatic variant in an individual with sonic hedgehog medulloblastoma (PMID: 24651015 (2015)). The frequency of this variant in the general population (Genome Aggregation Database) is uninformative in the assessment of its pathogenicity. Analysis of this variant using bioinformatics tools for the prediction of the effect of amino acid changes on protein structure and function yielded predictions that this variant is benign. Based on the available information, we are unable to determine the clinical significance of this variant.

Ambry Genetics
Classification: Likely benign for Hereditary cancer-predisposing syndrome. Last evaluated: 2024-12-05. Review status: criteria provided, single submitter. Criteria: Ambry Variant Classification Scheme 2023. Collection method: clinical testing. Allele origin: germline.

GeneDx
Classification: Uncertain significance. Last evaluated: 2024-11-12. Review status: criteria provided, single submitter. Criteria: GeneDx Variant Classification Process June 2021. Collection method: clinical testing. Allele origin: germline. Affected: yes.
Comment: Not observed at significant frequency in large population cohorts (gnomAD); In silico analysis indicates that this missense variant does not alter protein structure/function; Observed in an individual with a personal and family history of breast and other cancers (PMID: 35534704); This variant is associated with the following publications: (PMID: 24651015, 20951805, 35534704)

Blueprint Genetics
Classification: Likely benign. Last evaluated: 2024-10-03. Review status: criteria provided, single submitter. Criteria: ACMG Guidelines, 2015. Collection method: clinical testing. Allele origin: germline.

Fulgent Genetics
Classification: Uncertain significance for Colorectal cancer, susceptibility to, 12; Facial dysmorphism-immunodeficiency-livedo-short stature syndrome; Intrauterine growth retardation, metaphyseal dysplasia, adrenal hypoplasia congenita, genital anomalies, and immunodeficiency. Last evaluated: 2024-01-03. Review status: criteria provided, single submitter. Criteria: ACMG Guidelines, 2015. Collection method: clinical testing. Allele origin: germline.

Department of Pathology and Laboratory Medicine, Sinai Health System
Classification: Uncertain significance for Colorectal cancer, susceptibility to, 12; Facial dysmorphism-immunodeficiency-livedo-short stature syndrome; Intrauterine growth retardation, metaphyseal dysplasia, adrenal hypoplasia congenita, genital anomalies, and immunodeficiency. Last evaluated: 2023-06-30. Review status: criteria provided, single submitter. Criteria: ACMG Guidelines, 2015. Collection method: clinical testing. Allele origin: germline. Affected: yes.

Institute for Clinical Genetics, University Hospital TU Dresden, University Hospital TU Dresden
Classification: Uncertain significance. Last evaluated: 2021-11-03. Review status: criteria provided, single submitter. Criteria: ACMG Guidelines, 2015. Collection method: clinical testing. Allele origin: germline.

Literature cited by the submitters: PubMed 35534704 (cited by Labcorp Genetics (formerly Invitae), Labcorp and Quest Diagnostics Nichols Institute San Juan Capistrano); PubMed 24651015 (cited by Quest Diagnostics Nichols Institute San Juan Capistrano).

NM_006231.4(POLE):c.2599G>A (p.Val867Ile)

Gene: POLE (DNA polymerase epsilon, catalytic subunit; minus strand). Cytogenetic location: 12q24.33.
Variant type: single nucleotide variant.
Coding change: c.2599G>A on transcript NM_006231.4 (MANE Select); coding-DNA position 2599, G replaced by A.
Protein change: p.Val867Ile; replaces valine 867 with isoleucine.
Molecular consequence: missense variant.
Genome position (GRCh38, 1-based): chr12:132,664,111, C>T on the plus strand (G>A on the coding strand, the complement: POLE is on the minus strand). VCF-style: chr12-132664111-C-T. GRCh37 (hg19) VCF-style: chr12-133240697-C-T.
Other names: short protein forms V867I.
Identifiers: ClinVar variation 240436 (VCV000240436.49), dbSNP rs374200895, ClinGen allele CA6893490.